The following is an entry in ClinVar:

ClinVar aggregate classification (germline): Uncertain significance (1 of 4 stars; one submission).

Conditions:
Familial adenomatous polyposis 1 (FAP1). Also called: POLYPOSIS, ADENOMATOUS INTESTINAL; FAMILIAL ADENOMATOUS POLYPOSIS 1, ATTENUATED. Identifiers: MedGen C2713442, MONDO:0021056, OMIM 175100. Disease mechanism: loss of function.

Submission:

Labcorp Genetics (formerly Invitae), Labcorp
Classification: Uncertain significance for Familial adenomatous polyposis 1. Last evaluated: 2021-03-13. Review status: criteria provided, single submitter. Criteria: Invitae Variant Classification Sherloc (09022015). Collection method: clinical testing. Allele origin: germline.
Comment: This sequence change replaces asparagine with threonine at codon 2098 of the APC protein (p.Asn2098Thr). The asparagine residue is highly conserved and there is a small physicochemical difference between asparagine and threonine. This variant is not present in population databases (ExAC no frequency). This variant has not been reported in the literature in individuals with APC-related conditions. Algorithms developed to predict the effect of missense changes on protein structure and function (SIFT, PolyPhen-2, Align-GVGD) all suggest that this variant is likely to be tolerated, but these predictions have not been confirmed by published functional studies and their clinical significance is uncertain. In summary, the available evidence is currently insufficient to determine the role of this variant in disease. Therefore, it has been classified as a Variant of Uncertain Significance.

NM_000038.6(APC):c.6293A>C (p.Asn2098Thr)

Gene: APC (APC regulator of Wnt signaling pathway; plus strand). Cytogenetic location: 5q22.2.
Variant type: single nucleotide variant.
Coding change: c.6293A>C on transcript NM_000038.6 (MANE Select); coding-DNA position 6293, A replaced by C.
Protein change: p.Asn2098Thr; replaces asparagine 2098 with threonine.
Molecular consequence: missense variant.
Genome position (GRCh38, 1-based): chr5:112,841,887, A>C. VCF-style: chr5-112841887-A-C. GRCh37 (hg19) VCF-style: chr5-112177584-A-C.
Other names: c.6293A>C, p.Asn2098Thr (NM_001127510.3, NM_001354895.2); c.6239A>C, p.Asn2080Thr (NM_001127511.3); c.6347A>C, p.Asn2116Thr (NM_001354896.2); c.6323A>C, p.Asn2108Thr (NM_001354897.2); c.6218A>C, p.Asn2073Thr (NM_001354898.2); c.6209A>C, p.Asn2070Thr (NM_001354899.2); c.6170A>C, p.Asn2057Thr (NM_001354900.2); c.6116A>C, p.Asn2039Thr (NM_001354901.2); and 5 more; short protein forms N1938T, N1997T, N2098T, N1972T, N2057T, N1815T, N2039T, N2070T.
Identifiers: ClinVar variation 1414185 (VCV001414185.8), dbSNP rs1766183030, ClinGen allele CA16035108.